The following is an entry in ClinVar:

ClinVar aggregate classification (germline): Uncertain significance (1 of 4 stars; one submission).

Conditions:
ALG1-congenital disorder of glycosylation. Also called: CONGENITAL DISORDER OF GLYCOSYLATION, TYPE Ik; ALG1-CDG; CDG Ik. Identifiers: Orphanet 79327, MedGen C2931005, MONDO:0012052, OMIM 608540.

Allele frequency attached by ClinVar (database versions not stated): gnomAD exomes below 0.00001; ExAC 0.00001; TOPMed 0.00001; gnomAD 0.00002.

Submission:

Labcorp Genetics (formerly Invitae), Labcorp
Classification: Uncertain significance for ALG1-congenital disorder of glycosylation. Last evaluated: 2025-11-24. Review status: criteria provided, single submitter. Criteria: Invitae Variant Classification Sherloc (09022015). Collection method: clinical testing. Allele origin: germline.
Comment: This sequence change replaces isoleucine, which is neutral and non-polar, with threonine, which is neutral and polar, at codon 85 of the ALG1 protein (p.Ile85Thr). This variant is present in population databases (rs771070717, gnomAD 0.008%). This variant has not been reported in the literature in individuals affected with ALG1-related conditions. ClinVar contains an entry for this variant (Variation ID: 2414334). Invitae Evidence Modeling of protein sequence and biophysical properties (such as structural, functional, and spatial information, amino acid conservation, physicochemical variation, residue mobility, and thermodynamic stability) indicates that this missense variant is expected to disrupt ALG1 protein function with a positive predictive value of 95%. In summary, the available evidence is currently insufficient to determine the role of this variant in disease. Therefore, it has been classified as a Variant of Uncertain Significance.

NM_019109.5(ALG1):c.254T>C (p.Ile85Thr)

Gene: ALG1 (ALG1 chitobiosyldiphosphodolichol beta-mannosyltransferase; plus strand). Cytogenetic location: 16p13.3.
Variant type: single nucleotide variant.
Coding change: c.254T>C on transcript NM_019109.5 (MANE Select); coding-DNA position 254, T replaced by C.
Protein change: p.Ile85Thr; replaces isoleucine 85 with threonine.
Molecular consequence: missense variant. On other transcripts: 5 prime UTR variant (1).
Genome position (GRCh38, 1-based): chr16:5,072,996, T>C. VCF-style: chr16-5072996-T-C. GRCh37 (hg19) VCF-style: chr16-5122997-T-C.
Other names: c.-80T>C (NM_001330504.2); short protein forms I85T.
Identifiers: ClinVar variation 2414334 (VCV002414334.4), dbSNP rs771070717, ClinGen allele CA7889742.